The following is an entry in ClinVar:

NM_033310.3(KCNK4):c.314-9T>A

Genes: KCNK4-CATSPERZ (KCNK4-CATSPERZ readthrough (NMD candidate); plus strand), KCNK4 (potassium two pore domain channel subfamily K member 4; plus strand). Cytogenetic location: 11q13.1.
Variant type: single nucleotide variant.
Coding change: c.314-9T>A on transcript NM_033310.3 (MANE Select); 9 bases into the intron before coding-DNA position 314, T replaced by A.
Molecular consequence: intron variant.
Genome position (GRCh38, 1-based): chr11:64,297,110, T>A. VCF-style: chr11-64297110-T-A. GRCh37 (hg19) VCF-style: chr11-64064582-T-A.
Other names: c.314-9T>A (NM_001317090.2).
Identifiers: ClinVar variation 2768926 (VCV002768926.3), dbSNP rs2495687579, ClinGen allele CA2697548632.

ClinVar aggregate classification (germline): Uncertain significance (1 of 4 stars; one submission).

Submission:

Labcorp Genetics (formerly Invitae), Labcorp
Classification: Uncertain significance. Last evaluated: 2023-10-16. Review status: criteria provided, single submitter. Criteria: Invitae Variant Classification Sherloc (09022015). Collection method: clinical testing. Allele origin: germline.
Comment: This sequence change falls in intron 3 of the KCNK4 gene. It does not directly change the encoded amino acid sequence of the KCNK4 protein. This variant is not present in population databases (gnomAD no frequency). This variant has not been reported in the literature in individuals affected with KCNK4-related conditions. Algorithms developed to predict the effect of sequence changes on RNA splicing suggest that this variant may disrupt the consensus splice site. In summary, the available evidence is currently insufficient to determine the role of this variant in disease. Therefore, it has been classified as a Variant of Uncertain Significance.